The following is an entry in ClinVar:

NM_000245.4(MET):c.4068T>A (p.Tyr1356Ter)

Gene: MET (MET proto-oncogene, receptor tyrosine kinase; plus strand). Cytogenetic location: 7q31.2.
Variant type: single nucleotide variant.
Coding change: c.4068T>A on transcript NM_000245.4 (MANE Select); coding-DNA position 4068, T replaced by A.
Protein change: p.Tyr1356Ter; replaces tyrosine 1356 with a stop codon.
Molecular consequence: nonsense.
Genome position (GRCh38, 1-based): chr7:116,796,019, T>A. VCF-style: chr7-116796019-T-A. GRCh37 (hg19) VCF-style: chr7-116436073-T-A.
Other names: c.4122T>A, p.Tyr1374Ter (NM_001127500.3); c.2778T>A, p.Tyr926Ter (NM_001324402.2); short protein forms Y1356*, Y1374*, Y926*.
Identifiers: ClinVar variation 1323275 (VCV001323275.14), dbSNP rs767214353, ClinGen allele CA369118328.

ClinVar aggregate classification (germline): Conflicting classifications of pathogenicity. Review status: criteria provided, conflicting classifications (1 of 4 stars). 3 submissions from 3 submitters: Pathogenic (1); Uncertain significance (2). Last evaluated 2026-08-04.

Conditions:
Renal cell carcinoma. Identifiers: Orphanet 217071, MedGen C0007134, MeSH D002292, MONDO:0005086, HP:0005584.
Hereditary cancer-predisposing syndrome. Also called: Hereditary Cancer Syndrome; Neoplastic Syndromes, Hereditary; Hereditary neoplastic syndrome; Tumor predisposition. Identifiers: Orphanet 140162, MedGen C0027672, MeSH D009386, MONDO:0015356.

Submissions (3):

Ambry Genetics
Classification: Uncertain significance for Hereditary cancer-predisposing syndrome. Last evaluated: 2026-08-04. Review status: criteria provided, single submitter. Criteria: Ambry Variant Classification Scheme 2023. Collection method: clinical testing. Allele origin: germline.
Comment: The p.Y1374* variant (also known as c.4122T>A), located in coding exon 20 of the MET gene, results from a T to A substitution at nucleotide position 4122. This changes the amino acid from a tyrosine to a stop codon within coding exon 20. This variant occurs at the 3' terminus of the gene and is not expected to trigger nonsense-mediated mRNA decay. Based on the available evidence, the clinical significance of this variant remains unclear.

Labcorp Genetics (formerly Invitae), Labcorp
Classification: Uncertain significance for Renal cell carcinoma. Last evaluated: 2025-07-27. Review status: criteria provided, single submitter. Criteria: Invitae Variant Classification Sherloc (09022015). Collection method: clinical testing. Allele origin: germline.
Comment: This sequence change creates a premature translational stop signal (p.Tyr1374*) in the MET gene. While this is not anticipated to result in nonsense mediated decay, it is expected to disrupt the last 35 amino acid(s) of the MET protein. This variant is not present in population databases (gnomAD no frequency). This variant has not been reported in the literature in individuals affected with MET-related conditions. ClinVar contains an entry for this variant (Variation ID: 1323275). Experimental studies and prediction algorithms are not available or were not evaluated, and the functional significance of this variant is currently unknown. In summary, the available evidence is currently insufficient to determine the role of this variant in disease. Therefore, it has been classified as a Variant of Uncertain Significance.

Revvity Omics, Revvity
Classification: Pathogenic. Last evaluated: 2019-09-11. Review status: criteria provided, single submitter. Criteria: ACMG Guidelines, 2015. Collection method: clinical testing. Allele origin: germline.